The following is an entry in ClinVar:

NM_007294.4(BRCA1):c.5145_5152+8delinsAAATAG

Gene: BRCA1 (BRCA1 DNA repair associated; minus strand). Cytogenetic location: 17q21.31.
Variant type: Indel.
Coding change: c.5145_5152+8delinsAAATAG on transcript NM_007294.4 (MANE Select); coding-DNA position 5145 through 8 bases into the intron after coding-DNA position 5152, CTATTTCTGTAAGTAT replaced by AAATAG.
Molecular consequence: splice donor variant. On other transcripts: intron variant (2).
Genome position (GRCh38, 1-based): chr17:43,063,866-43,063,881, ATACTTACAGAAATAG replaced by CTATTT on the plus strand (CTATTTCTGTAAGTAT replaced by AAATAG on the coding strand, the reverse complement: BRCA1 is on the minus strand). VCF-style: chr17-43063866-ATACTTACAGAAATAG-CTATTT. GRCh37 (hg19) VCF-style: chr17-41215883-ATACTTACAGAAATAG-CTATTT.
Other names: c.5145_5152+8delinsAAATAG (NM_001407684.1, NM_001407594.1, NM_001407593.1 and 7 more transcripts); c.5208_5215+8delinsAAATAG (NM_001407583.1, NM_001407587.1, NM_001407585.1 and 1 more transcripts); c.5004_5011+8delinsAAATAG (NM_001407724.1, NM_001407697.1, NM_001407728.1 and 13 more transcripts); c.4998_5005+8delinsAAATAG (NM_001407838.1, NM_001407848.1, NM_001407839.1 and 12 more transcripts); c.1761_1768+8delinsAAATAG (NM_001408410.1); c.5001_5008+8delinsAAATAG (NM_001407741.1, NM_001407747.1, NM_001407745.1 and 21 more transcripts); c.1755_1762+8delinsAAATAG (NM_001408415.1, NM_001408412.1, NM_001408413.1 and 2 more transcripts); c.1623_1630+8delinsAAATAG (NM_001408483.1, NM_001408491.1, NM_001408481.1 and 5 more transcripts); and 73 more.
Identifiers: ClinVar variation 801085 (VCV000801085.3), dbSNP rs1597819841, ClinGen allele CA915950074.
Genomic context (GRCh38, chr17:43,063,866, plus strand): 5'-AACGTTAGGTGTAAAAATGCAATTCTGAGGTGTTAAAGGGAGGAGGGGAGAAATAGTATT[ATACTTACAGAAATAG>CTATTT]CTAACTACCCATTTTCCTCCCGCAATTCCTAGAAAATATTTCAGTGTCCGTTCACACACA-3'

ClinVar aggregate classification (germline): Likely pathogenic (1 of 4 stars; one submission).

Submission:

Quest Diagnostics Nichols Institute San Juan Capistrano
Classification: Likely pathogenic. Last evaluated: 2019-02-03. Review status: criteria provided, single submitter. Criteria: Quest Diagnostics criteria. Collection method: clinical testing. Allele origin: germline.
Comment: The variant disrupts a canonical splice site, and is therefore predicted to result in the loss of a functional protein. Not found in the total gnomAD dataset, and the data are high quality.